The following is an entry in ClinVar:

ClinVar aggregate classification (germline): Uncertain significance (1 of 4 stars; one submission).

Submission:

Labcorp Genetics (formerly Invitae), Labcorp
Classification: Uncertain significance. Last evaluated: 2025-02-03. Review status: criteria provided, single submitter. Criteria: Invitae Variant Classification Sherloc (09022015). Collection method: clinical testing. Allele origin: germline.
Comment: This sequence change replaces alanine, which is neutral and non-polar, with threonine, which is neutral and polar, at codon 517 of the RHOBTB2 protein (p.Ala517Thr). This variant is not present in population databases (gnomAD no frequency). This variant has not been reported in the literature in individuals affected with RHOBTB2-related conditions. ClinVar contains an entry for this variant (Variation ID: 1717894). Invitae Evidence Modeling of protein sequence and biophysical properties (such as structural, functional, and spatial information, amino acid conservation, physicochemical variation, residue mobility, and thermodynamic stability) indicates that this missense variant is not expected to disrupt RHOBTB2 protein function with a negative predictive value of 80%. In summary, the available evidence is currently insufficient to determine the role of this variant in disease. Therefore, it has been classified as a Variant of Uncertain Significance.

NM_015178.3(RHOBTB2):c.1483G>A (p.Ala495Thr)

Gene: RHOBTB2 (Rho related BTB domain containing 2; plus strand). Cytogenetic location: 8p21.3.
Variant type: single nucleotide variant.
Coding change: c.1483G>A on transcript NM_015178.3 (MANE Select); coding-DNA position 1483, G replaced by A.
Protein change: p.Ala495Thr; replaces alanine 495 with threonine.
Molecular consequence: missense variant.
Genome position (GRCh38, 1-based): chr8:23,007,728, G>A. VCF-style: chr8-23007728-G-A. GRCh37 (hg19) VCF-style: chr8-22865241-G-A.
Other names: c.1549G>A, p.Ala517Thr (NM_001160036.2); c.1504G>A, p.Ala502Thr (NM_001160037.2); c.1483G>A, p.Ala495Thr (NM_001374791.1); short protein forms A495T, A502T, A517T.
Identifiers: ClinVar variation 1717894 (VCV001717894.6), dbSNP rs2487014870, ClinGen allele CA370569558.
Genomic context (GRCh38, chr8:23,007,728, plus strand): 5'-AACCAGGAGATCACCAAGGCCTTCCACGTCCGCCGGACCAACCGGGTTAAGGAGTGCTTG[G>A]CAAAAGGCACCTTCTCAGGTATGGAACAGGCTTGGAAAGCAAGGGGGTTCTGCATTGGTG-3'
Protein context (NP_055993.2, residues 485-505): RRTNRVKECL[Ala495Thr]KGTFSDVTFI